The following is an entry in ClinVar:

ClinVar aggregate classification (germline): Uncertain significance (1 of 4 stars; one submission).

Conditions:
Hereditary cancer-predisposing syndrome. Also called: Neoplastic Syndromes, Hereditary; Tumor predisposition; Hereditary neoplastic syndrome; Hereditary Cancer Syndrome. Identifiers: Orphanet 140162, MedGen C0027672, MeSH D009386, MONDO:0015356.

Submission:

Ambry Genetics
Classification: Uncertain significance for Hereditary cancer-predisposing syndrome. Last evaluated: 2026-07-06. Review status: criteria provided, single submitter. Criteria: Ambry Variant Classification Scheme 2023. Collection method: clinical testing. Allele origin: germline.
Comment: The p.E53Q variant (also known as c.157G>C), located in coding exon 2 of the BMPR1A gene, results from a G to C substitution at nucleotide position 157. The glutamic acid at codon 53 is replaced by glutamine, an amino acid with highly similar properties. This amino acid position is conserved. In addition, the in silico prediction for this alteration is inconclusive. Based on the available evidence, the clinical significance of this variant remains unclear.

NM_004329.3(BMPR1A):c.157G>C (p.Glu53Gln)

Gene: BMPR1A (bone morphogenetic protein receptor type 1A; plus strand). Cytogenetic location: 10q23.2.
Variant type: single nucleotide variant.
Coding change: c.157G>C on transcript NM_004329.3 (MANE Select); coding-DNA position 157, G replaced by C.
Protein change: p.Glu53Gln; replaces glutamic acid 53 with glutamine.
Molecular consequence: missense variant. On other transcripts: non-coding transcript variant (3).
Genome position (GRCh38, 1-based): chr10:86,890,151, G>C. VCF-style: chr10-86890151-G-C. GRCh37 (hg19) VCF-style: chr10-88649908-G-C.
Other names: c.157G>C, p.Glu53Gln (NM_001406559.1, NM_001406560.1, NM_001406561.1 and 23 more transcripts); c.73G>C, p.Glu25Gln (NM_001406584.1, NM_001406585.1, NM_001406586.1 and 2 more transcripts); short protein forms E53Q, E25Q.
Identifiers: ClinVar variation 5032975 (VCV005032975.1).